The following is an entry in ClinVar:

NM_000497.4(CYP11B1):c.593_594delinsGT (p.Glu198Gly)

Genes: CYP11B1 (cytochrome P450 family 11 subfamily B member 1; minus strand), LOC106799833 (CYP11B1 recombination region; plus strand). Cytogenetic location: 8q24.3.
Variant type: Indel.
Coding change: c.593_594delinsGT on transcript NM_000497.4 (MANE Select); coding-DNA positions 593 to 594, AA replaced by GT.
Protein change: p.Glu198Gly; replaces glutamic acid 198 with glycine.
Molecular consequence: missense variant.
Genome position (GRCh38, 1-based): chr8:142,877,024-142,877,025, TT replaced by AC on the plus strand (AA replaced by GT on the coding strand, the reverse complement: CYP11B1 is on the minus strand). VCF-style: chr8-142877024-TT-AC. GRCh37 (hg19) VCF-style: chr8-143958440-TT-AC.
Other names: c.593_594delinsGT, p.Glu198Gly (NM_001026213.1); short protein forms E198G.
Identifiers: ClinVar variation 3233822 (VCV003233822.2), dbSNP rs2488678533, ClinGen allele CA2825001583.

ClinVar aggregate classification (germline): Uncertain significance (1 of 4 stars; one submission).

Submission:

Women's Health and Genetics/Laboratory Corporation of America, LabCorp
Classification: Uncertain significance. Last evaluated: 2024-03-21. Review status: criteria provided, single submitter. Criteria: LabCorp Variant Classification Summary - May 2015. Collection method: clinical testing. Allele origin: germline.
Comment: Variant summary: CYP11B1 c.593_594delinsGT (p.Glu198Gly) results in a non-conservative amino acid change in the encoded protein sequence. Four of five in-silico tools predict a damaging effect of the variant on protein function. Several computational tools predict a significant impact on normal splicing: Two predict the variant abolishes a canonical 5' splicing donor site and two predict the variant weakens this site. However, these predictions have yet to be confirmed by functional studies. The variant was absent in 249926 control chromosomes (gnomAD). The available data on variant occurrences in the general population are insufficient to allow any conclusion about variant significance. To our knowledge, no occurrence of c.593_594delinsGT in individuals affected with Congenital Adrenal Hyperplasia and no experimental evidence demonstrating its impact on protein function have been reported. No submitters have cited clinical-significance assessments for this variant to ClinVar. Based on the evidence outlined above, the variant was classified as uncertain significance.